The following is an entry in ClinVar:

NM_004990.4(MARS1):c.2277C>T (p.Tyr759=)

Gene: MARS1 (methionyl-tRNA synthetase 1; plus strand). Cytogenetic location: 12q13.3.
Variant type: single nucleotide variant.
Coding change: c.2277C>T on transcript NM_004990.4 (MANE Select); coding-DNA position 2277, C replaced by T.
Protein change: p.Tyr759=; no amino-acid change (tyrosine 759 retained).
Molecular consequence: synonymous variant.
Genome position (GRCh38, 1-based): chr12:57,515,222, C>T. VCF-style: chr12-57515222-C-T. GRCh37 (hg19) VCF-style: chr12-57909005-C-T.
Identifiers: ClinVar variation 681934 (VCV000681934.9), dbSNP rs377546356, ClinGen allele CA6650766.

ClinVar aggregate classification (germline): Likely benign. Review status: criteria provided, multiple submitters, no conflicts (2 of 4 stars). 2 submissions from 2 submitters: Likely benign (2). Last evaluated 2025-11-03.

Conditions:
Severe early-onset pulmonary alveolar proteinosis due to MARS deficiency. Also called: PULMONARY ALVEOLAR PROTEINOSIS, REUNION ISLAND; Interstitial lung and liver disease. Identifiers: Orphanet 440427, MedGen C4225400, MONDO:0014206, OMIM 615486.
Charcot-Marie-Tooth disease axonal type 2U. Also called: CHARCOT-MARIE-TOOTH NEUROPATHY, TYPE 2U; CHARCOT-MARIE-TOOTH DISEASE, AXONAL, AUTOSOMAL DOMINANT, TYPE 2U. Identifiers: Orphanet 397735, MedGen C4084821, MONDO:0014566, OMIM 616280.

Allele frequency attached by ClinVar (database versions not stated): ExAC 0.00002; ESP Exome Variant Server 0.00008; TOPMed 0.00002; gnomAD 0.00003; gnomAD exomes 0.00004 and 0.00003.
gnomAD v4.1: 49 of 1,614,062 alleles (0.003%); highest among the groups gnomAD compares: Middle Eastern, 0.016%; no homozygotes.

Submissions (2):

Labcorp Genetics (formerly Invitae), Labcorp
Classification: Likely benign for Charcot-Marie-Tooth disease axonal type 2U; Severe early-onset pulmonary alveolar proteinosis due to MARS deficiency. Last evaluated: 2025-11-03. Review status: criteria provided, single submitter. Criteria: Invitae Variant Classification Sherloc (09022015). Collection method: clinical testing. Allele origin: germline.

GeneDx
Classification: Likely benign. Last evaluated: 2018-04-26. Review status: criteria provided, single submitter. Criteria: GeneDx Variant Classification (06012015). Collection method: clinical testing. Allele origin: germline. Affected: yes.
Comment: This variant is considered likely benign or benign based on one or more of the following criteria: it is a conservative change, it occurs at a poorly conserved position in the protein, it is predicted to be benign by multiple in silico algorithms, and/or has population frequency not consistent with disease.